The following is an entry in ClinVar:

ClinVar aggregate classification (germline): Uncertain significance. Review status: criteria provided, multiple submitters, no conflicts (2 of 4 stars). 2 submissions from 2 submitters: Uncertain significance (2). Last evaluated 2023-04-07.

Conditions:
Tumor predisposition syndrome 3 (TPDS3). Also called: Glioma susceptibility 9; LONG TELOMERE SYNDROME, POT1-RELATED; POT1 Tumor Predisposition; Melanoma, cutaneous malignant, susceptibility to, 10. Identifiers: Orphanet 618, MedGen C4014476, MONDO:0014368, OMIM 615848.
Hereditary cancer-predisposing syndrome. Also called: Tumor predisposition; Neoplastic Syndromes, Hereditary; Hereditary Cancer Syndrome; Hereditary neoplastic syndrome. Identifiers: Orphanet 140162, MedGen C0027672, MeSH D009386, MONDO:0015356.

Allele frequency attached by ClinVar (database versions not stated): TOPMed below 0.00001; gnomAD 0.00001.
gnomAD v4.1: 1 of 1,613,892 alleles (0.000062%); highest among the groups gnomAD compares: African/African-American, 0.0013%; no homozygotes.

Submissions (2):

Labcorp Genetics (formerly Invitae), Labcorp
Classification: Uncertain significance for Tumor predisposition syndrome 3. Last evaluated: 2023-04-07. Review status: criteria provided, single submitter. Criteria: Invitae Variant Classification Sherloc (09022015). Collection method: clinical testing. Allele origin: germline.
Comment: In summary, the available evidence is currently insufficient to determine the role of this variant in disease. Therefore, it has been classified as a Variant of Uncertain Significance. Advanced modeling of protein sequence and biophysical properties (such as structural, functional, and spatial information, amino acid conservation, physicochemical variation, residue mobility, and thermodynamic stability) performed at Invitae indicates that this missense variant is not expected to disrupt POT1 protein function. ClinVar contains an entry for this variant (Variation ID: 1772061). This variant has not been reported in the literature in individuals affected with POT1-related conditions. This variant is not present in population databases (gnomAD no frequency). This sequence change replaces asparagine, which is neutral and polar, with serine, which is neutral and polar, at codon 471 of the POT1 protein (p.Asn471Ser).

Ambry Genetics
Classification: Uncertain significance for Hereditary cancer-predisposing syndrome. Last evaluated: 2022-05-23. Review status: criteria provided, single submitter. Criteria: Ambry Variant Classification Scheme 2023. Collection method: clinical testing. Allele origin: germline.
Comment: The p.N471S variant (also known as c.1412A>G), located in coding exon 11 of the POT1 gene, results from an A to G substitution at nucleotide position 1412. The asparagine at codon 471 is replaced by serine, an amino acid with highly similar properties. This amino acid position is conserved. In addition, this alteration is predicted to be tolerated by in silico analysis. Since supporting evidence is limited at this time, the clinical significance of this alteration remains unclear.

NM_015450.3(POT1):c.1412A>G (p.Asn471Ser)

Gene: POT1 (protection of telomeres 1; minus strand). Cytogenetic location: 7q31.33.
Variant type: single nucleotide variant.
Coding change: c.1412A>G on transcript NM_015450.3 (MANE Select); coding-DNA position 1412, A replaced by G.
Protein change: p.Asn471Ser; replaces asparagine 471 with serine.
Molecular consequence: missense variant. On other transcripts: non-coding transcript variant (3).
Genome position (GRCh38, 1-based): chr7:124,835,372, T>C on the plus strand (A>G on the coding strand, the complement: POT1 is on the minus strand). VCF-style: chr7-124835372-T-C. GRCh37 (hg19) VCF-style: chr7-124475426-T-C.
Other names: c.1019A>G, p.Asn340Ser (NM_001042594.2); short protein forms N471S, N340S.
Identifiers: ClinVar variation 1772061 (VCV001772061.5), dbSNP rs1033050488, ClinGen allele CA166100672.
Genomic context (GRCh38, chr7:124,835,372, plus strand): 5'-GGTGCTGAAAGGTCCAAAAGTTCCAGGTCTTCGTGGCCAGATCTCACAGGAATTACACTA[T>C]TAAACTTGTTCGAGAGTTTGCAAATTTCACTGAGTGTACCTCCTGTTAAGAGAATAAATA-3'
Protein context (NP_056265.2, residues 461-481): SEICKLSNKF[Asn471Ser]SVIPVRSGHE